The following is an entry in ClinVar:

NM_001042492.3(NF1):c.6762T>G (p.Cys2254Trp)

Gene: NF1 (neurofibromin 1; plus strand). Cytogenetic location: 17q11.2.
Variant type: single nucleotide variant.
Coding change: c.6762T>G on transcript NM_001042492.3 (MANE Select); coding-DNA position 6762, T replaced by G.
Protein change: p.Cys2254Trp; replaces cysteine 2254 with tryptophan.
Molecular consequence: missense variant.
Genome position (GRCh38, 1-based): chr17:31,338,082, T>G. VCF-style: chr17-31338082-T-G. GRCh37 (hg19) VCF-style: chr17-29665100-T-G.
Other names: c.6699T>G, p.Cys2233Trp (NM_000267.4); short protein forms C2233W, C2254W.
Identifiers: ClinVar variation 1714634 (VCV001714634.5), dbSNP rs2151558219, ClinGen allele CA399014104.
Genomic context (GRCh38, chr17:31,338,082, plus strand): 5'-CAGATTTGCATTCCAATATAATCCATCCCTGCAACCAAGAGCTCTTGTTGTCTTTGGGTG[T>G]ATTAGCAAACGAGTGTCTCATGGGCAGATAAAGCAGATAATCCGTATTCTTAGCAAGGTA-3'
Protein context (NP_001035957.1, residues 2244-2264): LQPRALVVFG[Cys2254Trp]ISKRVSHGQI

ClinVar aggregate classification (germline): Uncertain significance (1 of 4 stars; one submission).

Conditions:
Neurofibromatosis, type 1 (NF1). Also called: Peripheral type neurofibromatosis; VON RECKLINGHAUSEN DISEASE; NEUROFIBROMATOSIS, TYPE I, SOMATIC; Neurofibromatosis, type I. Identifiers: Orphanet 636, MedGen C0027831, MONDO:0018975, OMIM 162200. Disease mechanism: loss of function.

Submission:

Labcorp Genetics (formerly Invitae), Labcorp
Classification: Uncertain significance for Neurofibromatosis, type 1. Last evaluated: 2023-05-20. Review status: criteria provided, single submitter. Criteria: Invitae Variant Classification Sherloc (09022015). Collection method: clinical testing. Allele origin: germline.
Comment: This sequence change replaces cysteine, which is neutral and slightly polar, with tryptophan, which is neutral and slightly polar, at codon 2233 of the NF1 protein (p.Cys2233Trp). This variant is not present in population databases (gnomAD no frequency). This variant has not been reported in the literature in individuals affected with NF1-related conditions. ClinVar contains an entry for this variant (Variation ID: 1714634). Advanced modeling of protein sequence and biophysical properties (such as structural, functional, and spatial information, amino acid conservation, physicochemical variation, residue mobility, and thermodynamic stability) performed at Invitae indicates that this missense variant is expected to disrupt NF1 protein function. In summary, the available evidence is currently insufficient to determine the role of this variant in disease. Therefore, it has been classified as a Variant of Uncertain Significance.